The following is an entry in ClinVar:

ClinVar aggregate classification (germline): Uncertain significance (1 of 4 stars; one submission).

Submission:

Labcorp Genetics (formerly Invitae), Labcorp
Classification: Uncertain significance. Last evaluated: 2022-10-05. Review status: criteria provided, single submitter. Criteria: Invitae Variant Classification Sherloc (09022015). Collection method: clinical testing. Allele origin: germline.
Comment: In summary, the available evidence is currently insufficient to determine the role of this variant in disease. Therefore, it has been classified as a Variant of Uncertain Significance. Experimental studies and prediction algorithms are not available or were not evaluated, and the functional significance of this variant is currently unknown. This variant has not been reported in the literature in individuals affected with ATRN-related conditions. This variant results in a copy number gain of the genomic region encompassing exon(s) 2-3 of the ATRN gene. While the exact position of this variant cannot be determined from the data, sub-genic copy number gains are generally in tandem (PMID: 25640679). This variant is predicted to be in-frame, and likely preserves the integrity of the reading frame.

Literature cited by the submitters: PubMed 25640679.

NC_000020.10:g.(?_3515880)_(3521002_?)dup

Gene: ATRN (attractin; plus strand). Cytogenetic location: 20p13.
Variant type: Duplication.
Identifiers: ClinVar variation 2427286 (VCV002427286.4).